The following is an entry in ClinVar:

ClinVar aggregate classification (germline): Uncertain significance (1 of 4 stars; one submission).

Allele frequency attached by ClinVar (database versions not stated): TOPMed below 0.00001.

Submission:

GeneDx
Classification: Uncertain significance. Last evaluated: 2023-06-02. Review status: criteria provided, single submitter. Criteria: GeneDx Variant Classification Process June 2021. Collection method: clinical testing. Allele origin: germline. Affected: yes.
Comment: Has not been previously published as pathogenic or benign to our knowledge; Not observed at significant frequency in large population cohorts (gnomAD); In silico analysis supports that this missense variant does not alter protein structure/function

NM_003238.6(TGFB2):c.622C>T (p.His208Tyr)

Gene: TGFB2 (transforming growth factor beta 2; plus strand). Cytogenetic location: 1q41.
Variant type: single nucleotide variant.
Coding change: c.622C>T on transcript NM_003238.6 (MANE Select); coding-DNA position 622, C replaced by T.
Protein change: p.His208Tyr; replaces histidine 208 with tyrosine.
Molecular consequence: missense variant. On other transcripts: non-coding transcript variant (2).
Genome position (GRCh38, 1-based): chr1:218,434,193, C>T. VCF-style: chr1-218434193-C-T. GRCh37 (hg19) VCF-style: chr1-218607535-C-T.
Other names: c.706C>T, p.His236Tyr (NM_001135599.4); short protein forms H208Y, H236Y.
Identifiers: ClinVar variation 3253516 (VCV003253516.1), dbSNP rs916820522.